The following is an entry in ClinVar:

NC_000023.10:g.(?_82763333)_(86924394_?)del

Genes: APOOL (apolipoprotein O like; plus strand), CHM (CHM Rab escort protein; minus strand), CYLC1 (cylicin 1; plus strand), DACH2 (dachshund family transcription factor 2; plus strand), HDX (highly divergent homeobox; minus strand) and 6 more. Cytogenetic location: Xq21.1-21.31.
Variant type: Deletion.
Identifiers: ClinVar variation 833457 (VCV000833457.1).

ClinVar aggregate classification (germline): Pathogenic (1 of 4 stars; one submission).

Submission:

Labcorp Genetics (formerly Invitae), Labcorp
Classification: Pathogenic. Last evaluated: 2019-11-13. Review status: criteria provided, single submitter. Criteria: Invitae Variant Classification Sherloc (09022015). Collection method: clinical testing. Allele origin: germline.
Comment: A gross deletion of the genomic region encompassing the full coding sequence of the CHM gene has been identified. The boundaries of this event are unknown as the deletion extends beyond the assayed region for this gene and therefore may encompass additional genes. A similar deletion has been observed in several individuals affected with choroideremia (PMID: 26133251, 7981671, 21905166, 23811034) and segregated with choroideremia in several families (PMID: 8749050, 17698759). Larger deletions involving this and neighboring genes have also been reported in families with choroideremia, deafness, and intellectual disability (PMID: 3476958). Loss-of-function variants in CHM are known to be pathogenic (PMID: 9067750, 23811034). For these reasons, this variant has been classified as Pathogenic.

Literature cited by the submitters: PubMed 21905166; PubMed 8749050; PubMed 23811034; PubMed 26133251; PubMed 17698759; PubMed 7981671; PubMed 3476958.